The following is an entry in ClinVar:

NM_001136191.3(KANK2):c.1087G>A (p.Gly363Arg)

Gene: KANK2 (KN motif and ankyrin repeat domains 2; minus strand). Cytogenetic location: 19p13.2.
Variant type: single nucleotide variant.
Coding change: c.1087G>A on transcript NM_001136191.3 (MANE Select); coding-DNA position 1087, G replaced by A.
Protein change: p.Gly363Arg; replaces glycine 363 with arginine.
Molecular consequence: missense variant.
Genome position (GRCh38, 1-based): chr19:11,192,993, C>T on the plus strand (G>A on the coding strand, the complement: KANK2 is on the minus strand). VCF-style: chr19-11192993-C-T. GRCh37 (hg19) VCF-style: chr19-11303669-C-T.
Other names: c.1087G>A, p.Gly363Arg (NM_001379561.1, NM_001379562.1, NM_001379563.1 and 15 more transcripts); short protein forms G363R.
Identifiers: ClinVar variation 4734612 (VCV004734612.1).

ClinVar aggregate classification (germline): Uncertain significance (1 of 4 stars; one submission).

Submission:

Labcorp Genetics (formerly Invitae), Labcorp
Classification: Uncertain significance. Last evaluated: 2026-01-02. Review status: criteria provided, single submitter. Criteria: Invitae Variant Classification Sherloc (09022015). Collection method: clinical testing. Allele origin: germline.
Comment: This sequence change replaces glycine, which is neutral and non-polar, with arginine, which is basic and polar, at codon 363 of the KANK2 protein (p.Gly363Arg). This variant is not present in population databases (gnomAD no frequency). This variant has not been reported in the literature in individuals affected with KANK2-related conditions. An algorithm developed to predict the effect of missense changes on protein structure and function (PolyPhen-2) suggests that this variant is likely to be tolerated. In summary, the available evidence is currently insufficient to determine the role of this variant in disease. Therefore, it has been classified as a Variant of Uncertain Significance.